The following is an entry in ClinVar:

NM_004104.5(FASN):c.3286G>A (p.Gly1096Arg)

Gene: FASN (fatty acid synthase; minus strand). Cytogenetic location: 17q25.3.
Variant type: single nucleotide variant.
Coding change: c.3286G>A on transcript NM_004104.5 (MANE Select); coding-DNA position 3286, G replaced by A.
Protein change: p.Gly1096Arg; replaces glycine 1096 with arginine.
Molecular consequence: missense variant.
Genome position (GRCh38, 1-based): chr17:82,087,191, C>T on the plus strand (G>A on the coding strand, the complement: FASN is on the minus strand). VCF-style: chr17-82087191-C-T. GRCh37 (hg19) VCF-style: chr17-80045067-C-T.
Other names: c.3286G>A (NM_004104.4); short protein forms G1096R.
Identifiers: ClinVar variation 1441121 (VCV001441121.7), dbSNP rs62642478, ClinGen allele CA8852437.

ClinVar aggregate classification (germline): Conflicting classifications of pathogenicity. Review status: criteria provided, conflicting classifications (1 of 4 stars). 2 submissions from 2 submitters: Uncertain significance (1); Likely benign (1). Last evaluated 2024-03-20.

Conditions:
Epileptic encephalopathy. Identifiers: MedGen C0543888, HP:0200134.

Allele frequency attached by ClinVar (database versions not stated): 1000 Genomes Project 30x 0.00031.
gnomAD v4.1: 31 of 1,607,608 alleles (0.0019%); highest among the groups gnomAD compares: Middle Eastern, 0.017%; no homozygotes.

Submissions (2):

Labcorp Genetics (formerly Invitae), Labcorp
Classification: Uncertain significance for Epileptic encephalopathy. Last evaluated: 2024-03-20. Review status: criteria provided, single submitter. Criteria: Invitae Variant Classification Sherloc (09022015). Collection method: clinical testing. Allele origin: germline.
Comment: This sequence change replaces glycine, which is neutral and non-polar, with arginine, which is basic and polar, at codon 1096 of the FASN protein (p.Gly1096Arg). This variant is present in population databases (rs62642478, gnomAD 0.01%). This variant has not been reported in the literature in individuals affected with FASN-related conditions. ClinVar contains an entry for this variant (Variation ID: 1441121). Algorithms developed to predict the effect of missense changes on protein structure and function output the following: SIFT: "Not Available"; PolyPhen-2: "Benign"; Align-GVGD: "Not Available". The arginine amino acid residue is found in multiple mammalian species, which suggests that this missense change does not adversely affect protein function. In summary, the available evidence is currently insufficient to determine the role of this variant in disease. Therefore, it has been classified as a Variant of Uncertain Significance.

Ambry Genetics
Classification: Likely benign. Last evaluated: 2021-07-20. Review status: criteria provided, single submitter. Criteria: Ambry Variant Classification Scheme 2023. Collection method: clinical testing. Allele origin: germline.